The following is an entry in ClinVar:

ClinVar aggregate classification (germline): Conflicting classifications of pathogenicity. Review status: criteria provided, conflicting classifications (1 of 4 stars). 3 submissions from 3 submitters: Uncertain significance (2); Likely benign (1). Last evaluated 2025-05-26.

Conditions:
Charcot-Marie-Tooth disease type 4. Also called: Charcot-Marie-Tooth disease, type IV; Charcot-Marie-Tooth, Type 4. Identifiers: Orphanet 64749, MedGen C4082197, MONDO:0018995.
Inborn genetic diseases. Identifiers: MedGen C0950123, MeSH D030342.

Allele frequency attached by ClinVar (database versions not stated): gnomAD exomes below 0.00001; TOPMed below 0.00001; gnomAD 0.00001; ExAC 0.00002.

Submissions (3):

Ambry Genetics
Classification: Likely benign for Inborn genetic diseases. Last evaluated: 2025-05-26. Review status: criteria provided, single submitter. Criteria: Ambry Variant Classification Scheme 2023. Collection method: clinical testing. Allele origin: germline.

Athena Diagnostics
Classification: Uncertain significance. Last evaluated: 2023-07-10. Review status: criteria provided, single submitter. Criteria: Athena Diagnostics Criteria. Collection method: clinical testing. Allele origin: unknown.
Comment: Available data are insufficient to determine the clinical significance of the variant at this time. The frequency of this variant in the general population is uninformative in assessment of its pathogenicity. Computational tools predict that this variant is not damaging.

Labcorp Genetics (formerly Invitae), Labcorp
Classification: Uncertain significance for Charcot-Marie-Tooth disease type 4. Last evaluated: 2022-11-08. Review status: criteria provided, single submitter. Criteria: Invitae Variant Classification Sherloc (09022015). Collection method: clinical testing. Allele origin: germline.
Comment: Advanced modeling of protein sequence and biophysical properties (such as structural, functional, and spatial information, amino acid conservation, physicochemical variation, residue mobility, and thermodynamic stability) performed at Invitae indicates that this missense variant is not expected to disrupt PRX protein function. In summary, the available evidence is currently insufficient to determine the role of this variant in disease. Therefore, it has been classified as a Variant of Uncertain Significance. This variant has not been reported in the literature in individuals affected with PRX-related conditions. This variant is present in population databases (rs761602674, gnomAD 0.02%). This sequence change replaces glutamic acid, which is acidic and polar, with lysine, which is basic and polar, at codon 1240 of the PRX protein (p.Glu1240Lys).

NM_181882.3(PRX):c.3718G>A (p.Glu1240Lys)

Gene: PRX (periaxin; minus strand). Cytogenetic location: 19q13.2.
Variant type: single nucleotide variant.
Coding change: c.3718G>A on transcript NM_181882.3 (MANE Select); coding-DNA position 3718, G replaced by A.
Protein change: p.Glu1240Lys; replaces glutamic acid 1240 with lysine.
Molecular consequence: missense variant. On other transcripts: 3 prime UTR variant (1).
Genome position (GRCh38, 1-based): chr19:40,394,634, C>T on the plus strand (G>A on the coding strand, the complement: PRX is on the minus strand). VCF-style: chr19-40394634-C-T. GRCh37 (hg19) VCF-style: chr19-40900541-C-T.
Other names: c.4003G>A, p.Glu1335Lys (NM_001411127.1); c.*3923G>A (NM_020956.2); short protein forms E1240K, E1335K.
Identifiers: ClinVar variation 2684316 (VCV002684316.3), dbSNP rs761602674, ClinGen allele CA9443800.
Genomic context (GRCh38, chr19:40,394,634, plus strand): 5'-CCTCGCCCCCCACCCTAGCTCTGGCCCCCAGTGTGGGCAACTTCAGCCTCAGCCCACCCT[C>T]GCCTGTGGCCGCCTCGCCCGCCTGTGCCTCTCGGCTTAGCCCCACGTCCAGCTCAAGCTG-3'
Protein context (NP_870998.2, residues 1230-1250): EAQAGEAATG[Glu1240Lys]GGLRLKLPTL